The following is an entry in ClinVar:

NM_018699.4(PRDM5):c.106G>A (p.Gly36Arg)

Gene: PRDM5 (PR/SET domain 5; minus strand). Cytogenetic location: 4q27.
Variant type: single nucleotide variant.
Coding change: c.106G>A on transcript NM_018699.4 (MANE Select); coding-DNA position 106, G replaced by A.
Protein change: p.Gly36Arg; replaces glycine 36 with arginine.
Molecular consequence: missense variant.
Genome position (GRCh38, 1-based): chr4:120,907,545, C>T on the plus strand (G>A on the coding strand, the complement: PRDM5 is on the minus strand). VCF-style: chr4-120907545-C-T. GRCh37 (hg19) VCF-style: chr4-121828700-C-T.
Other names: c.106G>A, p.Gly36Arg (NM_001300823.2, NM_001300824.2, NM_001379104.1 and 1 more transcripts); c.106G>A (NM_018699.3); short protein forms G36R.
Identifiers: ClinVar variation 195343 (VCV000195343.12), dbSNP rs374583073, ClinGen allele CA241748.

ClinVar aggregate classification (germline): Conflicting classifications of pathogenicity. Review status: criteria provided, conflicting classifications (1 of 4 stars). 4 submissions from 4 submitters: Likely pathogenic (1); Uncertain significance (3). Last evaluated 2024-08-31.

Conditions:
Ehlers-Danlos syndrome (EDS). Identifiers: Orphanet 98249, MedGen C0013720, MONDO:0020066.
Brittle cornea syndrome 2 (BCS2). Identifiers: Orphanet 90354, MedGen C3280011, MONDO:0013605, OMIM 614170.

Allele frequency attached by ClinVar (database versions not stated): gnomAD exomes 0.00001; ExAC 0.00002; TOPMed 0.00005; gnomAD 0.00005; ESP Exome Variant Server 0.00008.
gnomAD v4.1: 44 of 1,611,018 alleles (0.0027%); highest among the groups gnomAD compares: Non-Finnish European, 0.0029%; no homozygotes.

Submissions (4):

Labcorp Genetics (formerly Invitae), Labcorp
Classification: Uncertain significance. Last evaluated: 2024-08-31. Review status: criteria provided, single submitter. Criteria: Invitae Variant Classification Sherloc (09022015). Collection method: clinical testing. Allele origin: germline.
Comment: This sequence change replaces glycine, which is neutral and non-polar, with arginine, which is basic and polar, at codon 36 of the PRDM5 protein (p.Gly36Arg). This variant is present in population databases (rs374583073, gnomAD 0.004%). This missense change has been observed in individual(s) with clinical features of PRDM5-related conditions (PMID: 33739556; internal data). In at least one individual the data is consistent with being in trans (on the opposite chromosome) from a pathogenic variant. ClinVar contains an entry for this variant (Variation ID: 195343). An algorithm developed to predict the effect of missense changes on protein structure and function (PolyPhen-2) suggests that this variant is likely to be disruptive. In summary, the available evidence is currently insufficient to determine the role of this variant in disease. Therefore, it has been classified as a Variant of Uncertain Significance.

Genome Diagnostics Laboratory, The Hospital for Sick Children
Classification: Uncertain significance for Ehlers-Danlos syndrome. Last evaluated: 2020-12-10. Review status: criteria provided, single submitter. Criteria: ACMG Guidelines, 2015. Collection method: clinical testing. Allele origin: germline.

Center for Medical Genetics Ghent, University of Ghent
Classification: Likely pathogenic for Brittle cornea syndrome 2. Last evaluated: 2020-08-01. Review status: criteria provided, single submitter. Criteria: ACMG Guidelines, 2015. Collection method: clinical testing. Allele origin: unknown. Inheritance: Autosomal recessive inheritance. Affected: yes. Observed: 1 variant allele, 1 homozygote.

Eurofins Ntd Llc (ga)
Classification: Uncertain significance. Last evaluated: 2014-12-12. Review status: criteria provided, single submitter. Criteria: EGL Classification Definitions 2015. Collection method: clinical testing. Allele origin: germline. Observed: 1 variant allele, 1 heterozygote.

Literature cited by the submitters: PubMed 33739556 (cited by Labcorp Genetics (formerly Invitae), Labcorp and Center for Medical Genetics Ghent, University of Ghent).